The following is an entry in ClinVar:

NM_000218.3(KCNQ1):c.1128+6G>A

Gene: KCNQ1 (potassium voltage-gated channel subfamily Q member 1; plus strand). Cytogenetic location: 11p15.5.
Variant type: single nucleotide variant.
Coding change: c.1128+6G>A on transcript NM_000218.3 (MANE Select); 6 bases into the intron after coding-DNA position 1128, G replaced by A.
Molecular consequence: intron variant.
Genome position (GRCh38, 1-based): chr11:2,585,313, G>A. VCF-style: chr11-2585313-G-A. GRCh37 (hg19) VCF-style: chr11-2606543-G-A.
Other names: c.858+6G>A (NM_001406837.1); c.1032+1768G>A (NM_001406836.1); c.588+1768G>A (NM_001406838.1); c.747+6G>A (NM_181798.2).
Identifiers: ClinVar variation 629639 (VCV000629639.6), dbSNP rs558595162, ClinGen allele CA216330207.

ClinVar aggregate classification (germline): Conflicting classifications of pathogenicity. Review status: criteria provided, conflicting classifications (1 of 4 stars). 2 submissions from 2 submitters: Uncertain significance (1); Likely benign (1). Last evaluated 2021-08-26.

Conditions:
Cardiac arrhythmia. Also called: Cardiac rhythm disease; Arrhythmia. Identifiers: MedGen C0003811, MONDO:0007263, HP:0011675.
Long QT syndrome (LQTS). Identifiers: MedGen C0023976, MeSH D008133, MONDO:0002442. Disease mechanism: loss of function. Inheritance: Various modes of inheritance.

Allele frequency attached by ClinVar (database versions not stated): gnomAD 0.00001.
gnomAD v4.1: 3 of 1,611,580 alleles (0.00019%); highest among the groups gnomAD compares: East Asian, 0.0045%; no homozygotes.

Submissions (2):

Labcorp Genetics (formerly Invitae), Labcorp
Classification: Uncertain significance for Long QT syndrome. Last evaluated: 2021-08-26. Review status: criteria provided, single submitter. Criteria: Invitae Variant Classification Sherloc (09022015). Collection method: clinical testing. Allele origin: germline.
Comment: This sequence change falls in intron 8 of the KCNQ1 gene. It does not directly change the encoded amino acid sequence of the KCNQ1 protein. It affects a nucleotide within the consensus splice site of the intron. This variant is not present in population databases (ExAC no frequency). This variant has not been reported in the literature in individuals affected with KCNQ1-related conditions. ClinVar contains an entry for this variant (Variation ID: 629639). Variants that disrupt the consensus splice site are a relatively common cause of aberrant splicing (PMID: 17576681, 9536098). Algorithms developed to predict the effect of sequence changes on RNA splicing suggest that this variant may disrupt the consensus splice site. In summary, the available evidence is currently insufficient to determine the role of this variant in disease. Therefore, it has been classified as a Variant of Uncertain Significance.

Color Diagnostics, LLC DBA Color Health
Classification: Likely benign for Arrhythmia. Last evaluated: 2018-10-16. Review status: criteria provided, single submitter. Criteria: ACMG Guidelines, 2015. Collection method: clinical testing. Allele origin: germline.

Literature cited by the submitters: PubMed 17576681 (cited by Labcorp Genetics (formerly Invitae), Labcorp); PubMed 9536098 (cited by Labcorp Genetics (formerly Invitae), Labcorp).